The following is an entry in ClinVar:

ClinVar aggregate classification (germline): Uncertain significance. Review status: criteria provided, multiple submitters, no conflicts (2 of 4 stars). 2 submissions from 2 submitters: Uncertain significance (2). Last evaluated 2025-11-01.

Conditions:
Cardiovascular phenotype. Identifiers: MedGen CN230736.

gnomAD v4.1: 23 of 1,550,420 alleles (0.0015%); highest among the groups gnomAD compares: African/African-American, 0.0068%; no homozygotes.

Submissions (2):

Mayo Clinic Laboratories, Mayo Clinic
Classification: Uncertain significance. Last evaluated: 2025-11-01. Review status: criteria provided, single submitter. Criteria: ACMG Guidelines, 2015. Collection method: clinical testing. Allele origin: germline. Observed: 1 variant allele.
Comment: BP4_moderate, PM2_supporting

Ambry Genetics
Classification: Uncertain significance for Cardiovascular phenotype. Last evaluated: 2024-10-28. Review status: criteria provided, single submitter. Criteria: Ambry Variant Classification Scheme 2023. Collection method: clinical testing. Allele origin: germline.
Comment: The p.S1497N variant (also known as c.4490G>A), located in coding exon 2 of the ZNF469 gene, results from a G to A substitution at nucleotide position 4490. The serine at codon 1497 is replaced by asparagine, an amino acid with highly similar properties. This amino acid position is conserved. In addition, this alteration is predicted to be tolerated by in silico analysis. Based on the available evidence, the clinical significance of this variant remains unclear.

NM_001367624.2(ZNF469):c.4574G>A (p.Ser1525Asn)

Gene: ZNF469 (zinc finger protein 469; plus strand). Cytogenetic location: 16q24.2.
Variant type: single nucleotide variant.
Coding change: c.4574G>A on transcript NM_001367624.2 (MANE Select); coding-DNA position 4574, G replaced by A.
Protein change: p.Ser1525Asn; replaces serine 1525 with asparagine.
Molecular consequence: missense variant.
Genome position (GRCh38, 1-based): chr16:88,432,044, G>A. VCF-style: chr16-88432044-G-A. GRCh37 (hg19) VCF-style: chr16-88498452-G-A.
Other names: NM_001127464.1:c.4490G>A; p.Ser1525Asn; short protein forms S1525N.
Identifiers: ClinVar variation 3476134 (VCV003476134.2).